The following is an entry in ClinVar:

NM_016507.4(CDK12):c.908G>A (p.Ser303Asn)

Genes: CDK12 (cyclin dependent kinase 12; plus strand), LOC126862553 (CDK7 strongly-dependent group 2 enhancer GRCh37_chr17:37618166-37619365; plus strand). Cytogenetic location: 17q12.
Variant type: single nucleotide variant.
Coding change: c.908G>A on transcript NM_016507.4 (MANE Select); coding-DNA position 908, G replaced by A.
Protein change: p.Ser303Asn; replaces serine 303 with asparagine.
Molecular consequence: missense variant.
Genome position (GRCh38, 1-based): chr17:39,462,979, G>A. VCF-style: chr17-39462979-G-A. GRCh37 (hg19) VCF-style: chr17-37619232-G-A.
Other names: c.908G>A, p.Ser303Asn (NM_015083.4); short protein forms S303N.
Identifiers: ClinVar variation 3999278 (VCV003999278.1).

ClinVar aggregate classification (germline): Uncertain significance (1 of 4 stars; one submission).

Submission:

Ambry Genetics
Classification: Uncertain significance. Last evaluated: 2025-03-27. Review status: criteria provided, single submitter. Criteria: Ambry Variant Classification Scheme 2023. Collection method: clinical testing. Allele origin: germline.
Comment: The p.S303N variant (also known as c.908G>A), located in coding exon 1 of the CDK12 gene, results from a G to A substitution at nucleotide position 908. The serine at codon 303 is replaced by asparagine, an amino acid with highly similar properties. This amino acid position is conserved. In addition, this alteration is predicted to be tolerated by in silico analysis. Based on the available evidence, the clinical significance of this variant remains unclear.